The following is an entry in ClinVar:

ClinVar aggregate classification (germline): Pathogenic (1 of 4 stars; one submission).

Conditions:
Hereditary cancer-predisposing syndrome. Also called: Neoplastic Syndromes, Hereditary; Tumor predisposition; Hereditary neoplastic syndrome; Hereditary Cancer Syndrome. Identifiers: Orphanet 140162, MedGen C0027672, MeSH D009386, MONDO:0015356.
Cardiovascular phenotype. Identifiers: MedGen CN230736.

Submission:

Ambry Genetics
Classification: Pathogenic for Cardiovascular phenotype; Hereditary cancer-predisposing syndrome. Last evaluated: 2023-12-01. Review status: criteria provided, single submitter. Criteria: Ambry Variant Classification Scheme 2023. Collection method: clinical testing. Allele origin: germline.
Comment: The c.7947delA pathogenic mutation, located in coding exon 54 of the NF1 gene, results from a deletion of one nucleotide at nucleotide position 7947, causing a translational frameshift with a predicted alternate stop codon (p.L2650Cfs*8). This variant is considered to be rare based on population cohorts in the Genome Aggregation Database (gnomAD). This alteration is expected to result in loss of function by premature protein truncation or nonsense-mediated mRNA decay. As such, this alteration is interpreted as a disease-causing mutation.

NM_001042492.3(NF1):c.8010del (p.Leu2671fs)

Gene: NF1 (neurofibromin 1; plus strand). Cytogenetic location: 17q11.2.
Variant type: Deletion.
Coding change: c.8010del on transcript NM_001042492.3 (MANE Select); coding-DNA position 8010, one base deleted (A; older notation c.8010delA).
Protein change: p.Leu2671fs; shifts the reading frame from leucine 2671.
Molecular consequence: frameshift variant.
Genome position (GRCh38, 1-based): chr17:31,358,519, A deleted. VCF-style (leftmost placement, unchanged base first): chr17-31358518-CA-C. GRCh37 (hg19) VCF-style: chr17-29685536-CA-C.
Other names: c.7947delA (NM_000267.3); c.7947delA, p.Leu2650Cysfs (NM_000267.4); short protein forms L2671fs, L2650fs.
Identifiers: ClinVar variation 3237964 (VCV003237964.1), dbSNP rs2508834962.